The following is an entry in ClinVar:

NM_018365.4(MNS1):c.353+3A>G

Genes: MNS1 (meiosis specific nuclear structural 1; minus strand), TEX9 (testis expressed 9; plus strand). Cytogenetic location: 15q21.3.
Variant type: single nucleotide variant.
Coding change: c.353+3A>G on transcript NM_018365.4 (MANE Select); 3 bases into the intron after coding-DNA position 353, A replaced by G.
Molecular consequence: intron variant.
Genome position (GRCh38, 1-based): chr15:56,456,391, T>C on the plus strand (A>G on the coding strand, the complement: MNS1 is on the minus strand). VCF-style: chr15-56456391-T-C. GRCh37 (hg19) VCF-style: chr15-56748589-T-C.
Identifiers: ClinVar variation 2637362 (VCV002637362.3), dbSNP rs773072033, ClinGen allele CA7579608.

ClinVar aggregate classification (germline): Uncertain significance. Review status: criteria provided, multiple submitters, no conflicts (2 of 4 stars). 2 submissions from 2 submitters: Uncertain significance (2). Last evaluated 2026-02-23.

Conditions:
MNS1-related disorder. Also called: MNS1-related condition.

Allele frequency attached by ClinVar (database versions not stated): ExAC 0.00001; TOPMed 0.00001; gnomAD 0.00003.
gnomAD v4.1: 15 of 1,600,920 alleles (0.00094%); highest among the groups gnomAD compares: South Asian, 0.0057%; no homozygotes.

Submissions (2):

GeneDx
Classification: Uncertain significance. Last evaluated: 2026-02-23. Review status: criteria provided, single submitter. Criteria: GeneDx Variant Classification Process June 2021. Collection method: clinical testing. Allele origin: germline.
Comment: In silico analysis supports a deleterious effect on splicing; Has not been previously published as pathogenic or benign to our knowledge

PreventionGenetics, part of Exact Sciences
Classification: Uncertain significance for MNS1-related condition. Last evaluated: 2023-09-18. Review status: criteria provided, single submitter. Criteria: ACMG Guidelines, 2015. Collection method: clinical testing. Allele origin: germline.
Comment: The MNS1 c.353+3A>G variant is predicted to interfere with splicing. To our knowledge, this variant has not been reported in the literature. This variant is reported in 0.0071% of alleles in individuals of South Asian descent in gnomAD. At this time, the clinical significance of this variant is uncertain due to the absence of conclusive functional and genetic evidence.